The following is an entry in ClinVar:

NM_001164508.2(NEB):c.819del (p.Ser273fs)

Gene: NEB (nebulin; minus strand). Cytogenetic location: 2q23.3.
Variant type: Deletion.
Coding change: c.819del on transcript NM_001164508.2 (MANE Select); coding-DNA position 819, one base deleted (C; older notation c.819delC).
Protein change: p.Ser273fs; shifts the reading frame from serine 273.
Molecular consequence: frameshift variant.
Genome position (GRCh38, 1-based): chr2:151,717,419, G deleted on the plus strand (C on the coding strand, the reverse complement: NEB is on the minus strand). VCF-style (leftmost placement, unchanged base first): chr2-151717418-TG-T. GRCh37 (hg19) VCF-style: chr2-152573932-TG-T.
Other names: c.819del, p.Ser273fs (NM_001164507.2, NM_001271208.2, NM_004543.5); short protein forms S273fs.
Identifiers: ClinVar variation 5014140 (VCV005014140.1).

ClinVar aggregate classification (germline): Pathogenic (1 of 4 stars; one submission).

Conditions:
Nemaline myopathy 2 (NEM2). Also called: Nemaline myopathy 2, autosomal recessive. Identifiers: MedGen C1850569, MONDO:0009725, OMIM 256030.

Submission:

Myriad Genetics, Inc.
Classification: Pathogenic for Nemaline myopathy 2. Last evaluated: 2025-02-27. Review status: criteria provided, single submitter. Criteria: Myriad Autosomal Dominant, Autosomal Recessive and X-Linked Classification Criteria (2023). Collection method: clinical testing. Allele origin: unknown.
Comment: NM_001271208.1(NEB):c.819delC(S273Rfs*30) is expected to be pathogenic in the context of NEB-related nemaline myopathy. This variant is predicted to lead to an abnormal or absent protein product due to the creation of a premature termination codon in NEB, a gene where loss-of-function variants are known to be pathogenic. Please note: this variant was assessed in the context of healthy population screening.